The following is an entry in ClinVar:

NM_000222.3(KIT):c.2793C>G (p.Ser931Arg)

Gene: KIT (KIT proto-oncogene, receptor tyrosine kinase; plus strand). Cytogenetic location: 4q12.
Variant type: single nucleotide variant.
Coding change: c.2793C>G on transcript NM_000222.3 (MANE Select); coding-DNA position 2793, C replaced by G.
Protein change: p.Ser931Arg; replaces serine 931 with arginine.
Molecular consequence: missense variant.
Genome position (GRCh38, 1-based): chr4:54,737,271, C>G. VCF-style: chr4-54737271-C-G. GRCh37 (hg19) VCF-style: chr4-55603437-C-G.
Other names: c.2781C>G, p.Ser927Arg (NM_001093772.2, NM_001385292.1); c.2796C>G, p.Ser932Arg (NM_001385284.1); c.2790C>G, p.Ser930Arg (NM_001385285.1); c.2778C>G, p.Ser926Arg (NM_001385286.1); c.2784C>G, p.Ser928Arg (NM_001385288.1); c.2793C>G, p.Ser931Arg (NM_001385290.1); short protein forms S927R, S932R, S928R, S930R, S931R, S926R.
Identifiers: ClinVar variation 2763189 (VCV002763189.3), dbSNP rs773363866, ClinGen allele CA356914572.

ClinVar aggregate classification (germline): Uncertain significance (1 of 4 stars; one submission).

Conditions:
Gastrointestinal stromal tumor. Also called: Gastrointestinal stromal tumor, somatic; Gastrointestinal stroma tumor. Identifiers: Orphanet 44890, MedGen C0238198, MeSH D046152, MONDO:0011719, OMIM 606764, HP:0100723.

Submission:

Labcorp Genetics (formerly Invitae), Labcorp
Classification: Uncertain significance for Gastrointestinal stromal tumor. Last evaluated: 2023-09-25. Review status: criteria provided, single submitter. Criteria: Invitae Variant Classification Sherloc (09022015). Collection method: clinical testing. Allele origin: germline.
Comment: This sequence change replaces serine, which is neutral and polar, with arginine, which is basic and polar, at codon 931 of the KIT protein (p.Ser931Arg). This variant is not present in population databases (gnomAD no frequency). This variant has not been reported in the literature in individuals affected with KIT-related conditions. An algorithm developed to predict the effect of missense changes on protein structure and function (PolyPhen-2) suggests that this variant is likely to be disruptive. In summary, the available evidence is currently insufficient to determine the role of this variant in disease. Therefore, it has been classified as a Variant of Uncertain Significance.